The following is an entry in ClinVar:

ClinVar aggregate classification (germline): Uncertain significance. Review status: criteria provided, multiple submitters, no conflicts (2 of 4 stars). 2 submissions from 2 submitters: Uncertain significance (2). Last evaluated 2025-03-11.

Conditions:
Inborn genetic diseases. Identifiers: MedGen C0950123, MeSH D030342.

gnomAD v4.1: 10 of 1,612,958 alleles (0.00062%); highest among the groups gnomAD compares: Admixed American, 0.012%; no homozygotes.

Submissions (2):

Ambry Genetics
Classification: Uncertain significance for Inborn genetic diseases. Last evaluated: 2025-03-11. Review status: criteria provided, single submitter. Criteria: Ambry Variant Classification Scheme 2023. Collection method: clinical testing. Allele origin: germline.

Labcorp Genetics (formerly Invitae), Labcorp
Classification: Uncertain significance. Last evaluated: 2025-02-17. Review status: criteria provided, single submitter. Criteria: Invitae Variant Classification Sherloc (09022015). Collection method: clinical testing. Allele origin: germline.
Comment: This sequence change replaces proline, which is neutral and non-polar, with serine, which is neutral and polar, at codon 401 of the FGFR3 protein (p.Pro401Ser). This variant is present in population databases (rs762705505, gnomAD 0.02%). This variant has not been reported in the literature in individuals affected with FGFR3-related conditions. Invitae Evidence Modeling of protein sequence and biophysical properties (such as structural, functional, and spatial information, amino acid conservation, physicochemical variation, residue mobility, and thermodynamic stability) indicates that this missense variant is not expected to disrupt FGFR3 protein function with a negative predictive value of 95%. In summary, the available evidence is currently insufficient to determine the role of this variant in disease. Therefore, it has been classified as a Variant of Uncertain Significance.

NM_000142.5(FGFR3):c.1201C>T (p.Pro401Ser)

Gene: FGFR3 (fibroblast growth factor receptor 3; plus strand). Cytogenetic location: 4p16.3.
Variant type: single nucleotide variant.
Coding change: c.1201C>T on transcript NM_000142.5 (MANE Select); coding-DNA position 1201, C replaced by T.
Protein change: p.Pro401Ser; replaces proline 401 with serine.
Molecular consequence: missense variant. On other transcripts: non-coding transcript variant (1), intron variant (1).
Genome position (GRCh38, 1-based): chr4:1,804,455, C>T. VCF-style: chr4-1804455-C-T. GRCh37 (hg19) VCF-style: chr4-1806182-C-T.
Other names: c.1207C>T, p.Pro403Ser (NM_001163213.2); c.1201C>T, p.Pro401Ser (NM_001354809.2, NM_001354810.2); c.931-369C>T (NM_022965.4); short protein forms P401S, P403S.
Identifiers: ClinVar variation 3850173 (VCV003850173.2).